The following is an entry in ClinVar:

NM_002691.4(POLD1):c.147G>C (p.Arg49Ser)

Gene: POLD1 (DNA polymerase delta 1, catalytic subunit; plus strand). Cytogenetic location: 19q13.33.
Variant type: single nucleotide variant.
Coding change: c.147G>C on transcript NM_002691.4 (MANE Select); coding-DNA position 147, G replaced by C.
Protein change: p.Arg49Ser; replaces arginine 49 with serine.
Molecular consequence: missense variant. On other transcripts: non-coding transcript variant (1).
Genome position (GRCh38, 1-based): chr19:50,398,998, G>C. VCF-style: chr19-50398998-G-C. GRCh37 (hg19) VCF-style: chr19-50902255-G-C.
Other names: c.147G>C, p.Arg49Ser (NM_001256849.1, NM_001308632.1); short protein forms R49S.
Identifiers: ClinVar variation 3664712 (VCV003664712.2).

ClinVar aggregate classification (germline): Uncertain significance (1 of 4 stars; one submission).

Conditions:
POLD1-related polyposis and colorectal cancer syndrome (CRCS10). Also called: Colorectal cancer 10; COLORECTAL CANCER, SUSCEPTIBILITY TO, ON CHROMOSOME 19q; Colorectal cancer, susceptibility to, 10. Identifiers: Orphanet 220460, MedGen C2675481, MONDO:0012953, OMIM 612591.

Submission:

Labcorp Genetics (formerly Invitae), Labcorp
Classification: Uncertain significance for POLD1-related polyposis and colorectal cancer syndrome. Last evaluated: 2025-04-22. Review status: criteria provided, single submitter. Criteria: Invitae Variant Classification Sherloc (09022015). Collection method: clinical testing. Allele origin: germline.
Comment: This sequence change replaces arginine, which is basic and polar, with serine, which is neutral and polar, at codon 49 of the POLD1 protein (p.Arg49Ser). This variant is not present in population databases (gnomAD no frequency). This variant has not been reported in the literature in individuals affected with POLD1-related conditions. ClinVar contains an entry for this variant (Variation ID: 3664712). An algorithm developed to predict the effect of missense changes on protein structure and function (PolyPhen-2) suggests that this variant is likely to be tolerated. In summary, the available evidence is currently insufficient to determine the role of this variant in disease. Therefore, it has been classified as a Variant of Uncertain Significance.